The following is an entry in ClinVar:

NM_017947.4(MOCOS):c.1219-4G>T

Gene: MOCOS (molybdenum cofactor sulfurase; plus strand). Cytogenetic location: 18q12.2.
Variant type: single nucleotide variant.
Coding change: c.1219-4G>T on transcript NM_017947.4 (MANE Select); 4 bases into the intron before coding-DNA position 1219, G replaced by T.
Molecular consequence: intron variant.
Genome position (GRCh38, 1-based): chr18:36,213,362, G>T. VCF-style: chr18-36213362-G-T. GRCh37 (hg19) VCF-style: chr18-33793325-G-T.
Identifiers: ClinVar variation 3047033 (VCV003047033.2), dbSNP rs761900858, ClinGen allele CA8940663.
Genomic context (GRCh38, chr18:36,213,362, plus strand): 5'-TGAATCTCTCAGAGTAAAACTGCACGTTGGTAATGGCTCATTCCATGTTACATTAAATCC[G>T]CAGGTGGACAAAATGGCCAGTCTTTACAACATCCACCTGCGAACTGGCTGCTTCTGTAAC-3'

ClinVar aggregate classification (germline): Likely benign (0 of 4 stars; one submission).

Conditions:
MOCOS-related disorder. Also called: MOCOS-related condition.

gnomAD v4.1: 3 of 1,612,558 alleles (0.00019%); highest among the groups gnomAD compares: Non-Finnish European, 0.00025%; no homozygotes.

Submission:

PreventionGenetics, part of Exact Sciences
Classification: Likely benign for MOCOS-related condition. Last evaluated: 2019-03-14. Review status: no assertion criteria provided. Collection method: clinical testing. Allele origin: germline.
Comment: This variant is classified as likely benign based on ACMG/AMP sequence variant interpretation guidelines (Richards et al. 2015 PMID: 25741868, with internal and published modifications).